The following is an entry in ClinVar:

NM_000214.3(JAG1):c.2525A>T (p.Tyr842Phe)

Gene: JAG1 (jagged canonical Notch ligand 1; minus strand). Cytogenetic location: 20p12.2.
Variant type: single nucleotide variant.
Coding change: c.2525A>T on transcript NM_000214.3 (MANE Select); coding-DNA position 2525, A replaced by T.
Protein change: p.Tyr842Phe; replaces tyrosine 842 with phenylalanine.
Molecular consequence: missense variant.
Genome position (GRCh38, 1-based): chr20:10,642,535, T>A on the plus strand (A>T on the coding strand, the complement: JAG1 is on the minus strand). VCF-style: chr20-10642535-T-A. GRCh37 (hg19) VCF-style: chr20-10623183-T-A.
Other names: short protein forms Y842F.
Identifiers: ClinVar variation 3903004 (VCV003903004.1).

ClinVar aggregate classification (germline): Uncertain significance (1 of 4 stars; one submission).

Submission:

GeneDx
Classification: Uncertain significance. Last evaluated: 2024-12-14. Review status: criteria provided, single submitter. Criteria: GeneDx Variant Classification Process June 2021. Collection method: clinical testing. Allele origin: germline. Affected: yes.
Comment: Not observed at significant frequency in large population cohorts (gnomAD); In silico analysis indicates that this missense variant does not alter protein structure/function; Has not been previously published as pathogenic or benign to our knowledge